The following is an entry in ClinVar:

NM_004924.6(ACTN4):c.1229G>A (p.Arg410Gln)

Gene: ACTN4 (actinin alpha 4; plus strand). Cytogenetic location: 19q13.2.
Variant type: single nucleotide variant.
Coding change: c.1229G>A on transcript NM_004924.6 (MANE Select); coding-DNA position 1229, G replaced by A.
Protein change: p.Arg410Gln; replaces arginine 410 with glutamine.
Molecular consequence: missense variant.
Genome position (GRCh38, 1-based): chr19:38,718,012, G>A. VCF-style: chr19-38718012-G-A. GRCh37 (hg19) VCF-style: chr19-39208652-G-A.
Other names: c.1229G>A, p.Arg410Gln (NM_001322033.2, NM_001411143.1); short protein forms R410Q.
Identifiers: ClinVar variation 1712385 (VCV001712385.3), dbSNP rs1207553410, ClinGen allele CA405704655.

ClinVar aggregate classification (germline): Likely benign. Review status: criteria provided, single submitter (1 of 4 stars). 2 submissions from 2 submitters: Likely benign (1). 1 of the submissions does not count toward it. Last evaluated 2021-11-22.

Conditions:
ACTN4-related disorder. Also called: ACTN4-related condition.
Focal segmental glomerulosclerosis (FSGS). Also called: Glomerulosclerosis, focal; Focal sclerosis with hyalinosis. Identifiers: MedGen C0017668, MONDO:0100313, HP:0000097. Disease mechanism: loss of function.

Allele frequency attached by ClinVar (database versions not stated): TOPMed 0.00001; gnomAD 0.00003; gnomAD exomes 0.00002.
gnomAD v4.1: 40 of 1,607,708 alleles (0.0025%); highest among the groups gnomAD compares: Non-Finnish European, 0.0031%; no homozygotes.

Submissions (2):

Genome Diagnostics Laboratory, The Hospital for Sick Children
Classification: Likely benign for Focal segmental glomerulosclerosis. Last evaluated: 2021-11-22. Review status: criteria provided, single submitter. Criteria: ACMG Guidelines, 2015. Collection method: clinical testing. Allele origin: germline.

PreventionGenetics, part of Exact Sciences
Classification: Uncertain significance for ACTN4-related condition. Last evaluated: 2024-03-28. Review status: no assertion criteria provided. Collection method: clinical testing. Allele origin: germline. Not counted in ClinVar's aggregate classification.
Comment: The ACTN4 c.1229G>A variant is predicted to result in the amino acid substitution p.Arg410Gln. To our knowledge, this variant has not been reported in the literature. This variant is reported in 0.0043% of alleles in individuals of African descent in gnomAD. At this time, the clinical significance of this variant is uncertain due to the absence of conclusive functional and genetic evidence.